The following is an entry in ClinVar:

NM_001385125.1(OPN1SW):c.50C>G (p.Pro17Arg)

Gene: OPN1SW (opsin 1, short wave sensitive; minus strand). Cytogenetic location: 7q32.1.
Variant type: single nucleotide variant.
Coding change: c.50C>G on transcript NM_001385125.1 (MANE Select); coding-DNA position 50, C replaced by G.
Protein change: p.Pro17Arg; replaces proline 17 with arginine.
Molecular consequence: missense variant.
Genome position (GRCh38, 1-based): chr7:128,775,732, G>C on the plus strand (C>G on the coding strand, the complement: OPN1SW is on the minus strand). VCF-style: chr7-128775732-G-C. GRCh37 (hg19) VCF-style: chr7-128415786-G-C.
Other names: short protein forms P17R.
Identifiers: ClinVar variation 1359587 (VCV001359587.8), dbSNP rs146986222, ClinGen allele CA4473068.

ClinVar aggregate classification (germline): Uncertain significance (1 of 4 stars; one submission).

Allele frequency attached by ClinVar (database versions not stated): gnomAD 0.00003; ESP Exome Variant Server 0.00008.
gnomAD v4.1: 5 of 1,613,942 alleles (0.00031%); highest among the groups gnomAD compares: African/African-American, 0.0067%; no homozygotes.

Submission:

Labcorp Genetics (formerly Invitae), Labcorp
Classification: Uncertain significance. Last evaluated: 2021-06-06. Review status: criteria provided, single submitter. Criteria: Invitae Variant Classification Sherloc (09022015). Collection method: clinical testing. Allele origin: germline.
Comment: In summary, the available evidence is currently insufficient to determine the role of this variant in disease. Therefore, it has been classified as a Variant of Uncertain Significance. Algorithms developed to predict the effect of missense changes on protein structure and function (SIFT, PolyPhen-2, Align-GVGD) all suggest that this variant is likely to be disruptive, but these predictions have not been confirmed by published functional studies and their clinical significance is uncertain. This variant has not been reported in the literature in individuals with OPN1SW-related conditions. This variant is present in population databases (rs146986222, ExAC 0.01%). This sequence change replaces proline with arginine at codon 20 of the OPN1SW protein (p.Pro20Arg). The proline residue is highly conserved and there is a moderate physicochemical difference between proline and arginine.